The following is an entry in ClinVar:

ClinVar aggregate classification (germline): Uncertain significance. Review status: criteria provided, multiple submitters, no conflicts (2 of 4 stars). 3 submissions from 3 submitters: Uncertain significance (3). Last evaluated 2023-11-20.

Conditions:
Cerebral amyloid angiopathy, APP-related. Also called: AMYLOIDOSIS, CEREBROARTERIAL, APP-RELATED; Cerebral amyloid angiopathy, Dutch, Italian, Iowa, Flemish, Arctic variants. Identifiers: Orphanet 100006, Orphanet 324703, Orphanet 324708, Orphanet 324713, Orphanet 324718, Orphanet 324723, Orphanet 85458, MedGen C2751536, MONDO:0011583, OMIM 605714.
Alzheimer disease type 1 (AD1). Also called: ALZHEIMER DISEASE, FAMILIAL, 1; ALZHEIMER DISEASE, FAMILIAL, 1, AUTOSOMAL RECESSIVE. Identifiers: MedGen C1863052, MONDO:0007088, OMIM 104300.
Alzheimer disease. Also called: Presenile and senile dementia; Alzheimer's disease. Identifiers: Orphanet 1020, MedGen C0002395, MeSH D000544, MONDO:0004975, HP:0002511.

Allele frequency attached by ClinVar (database versions not stated): gnomAD 0.00001; gnomAD exomes 0.00001 and 0.00002; ExAC 0.00002.
gnomAD v4.1: 17 of 1,613,910 alleles (0.0011%); highest among the groups gnomAD compares: East Asian, 0.038%; no homozygotes.

Submissions (3):

Labcorp Genetics (formerly Invitae), Labcorp
Classification: Uncertain significance for Alzheimer disease. Last evaluated: 2023-11-20. Review status: criteria provided, single submitter. Criteria: Invitae Variant Classification Sherloc (09022015). Collection method: clinical testing. Allele origin: germline.
Comment: This sequence change replaces valine, which is neutral and non-polar, with alanine, which is neutral and non-polar, at codon 225 of the APP protein (p.Val225Ala). This variant is present in population databases (rs746313873, gnomAD 0.03%). This missense change has been observed in individual(s) with progressive dementia (PMID: 31937505). ClinVar contains an entry for this variant (Variation ID: 339642). Advanced modeling of protein sequence and biophysical properties (such as structural, functional, and spatial information, amino acid conservation, physicochemical variation, residue mobility, and thermodynamic stability) performed at Invitae indicates that this missense variant is not expected to disrupt APP protein function with a negative predictive value of 95%. In summary, the available evidence is currently insufficient to determine the role of this variant in disease. Therefore, it has been classified as a Variant of Uncertain Significance.

Fulgent Genetics
Classification: Uncertain significance for Alzheimer disease type 1; Cerebral amyloid angiopathy, APP-related. Last evaluated: 2021-11-24. Review status: criteria provided, single submitter. Criteria: ACMG Guidelines, 2015. Collection method: clinical testing. Allele origin: unknown.

Illumina Laboratory Services, Illumina
Classification: Uncertain significance for Alzheimer disease type 1. Last evaluated: 2018-01-13. Review status: criteria provided, single submitter. Criteria: ICSL Variant Classification Criteria 13 December 2019. Collection method: clinical testing. Allele origin: germline.

Literature cited by the submitters: PubMed 31937505 (cited by Labcorp Genetics (formerly Invitae), Labcorp).

NM_000484.4(APP):c.674T>C (p.Val225Ala)

Gene: APP (amyloid beta precursor protein; minus strand). Cytogenetic location: 21q21.3.
Variant type: single nucleotide variant.
Coding change: c.674T>C on transcript NM_000484.4 (MANE Select); coding-DNA position 674, T replaced by C.
Protein change: p.Val225Ala; replaces valine 225 with alanine.
Molecular consequence: missense variant.
Genome position (GRCh38, 1-based): chr21:26,022,031, A>G on the plus strand (T>C on the coding strand, the complement: APP is on the minus strand). VCF-style: chr21-26022031-A-G. GRCh37 (hg19) VCF-style: chr21-27394347-A-G.
Other names: c.659T>C, p.Val220Ala (NM_001136016.3); c.506T>C, p.Val169Ala (NM_001136129.3, NM_001136130.3); c.569T>C, p.Val190Ala (NM_001136131.3); c.674T>C, p.Val225Ala (NM_001204301.2, NM_001204302.2, NM_001204303.2 and 3 more transcripts); short protein forms V225A, V190A, V220A, V169A.
Identifiers: ClinVar variation 339642 (VCV000339642.9), dbSNP rs746313873, ClinGen allele CA9987589.
Genomic context (GRCh38, chr21:26,022,031, plus strand): 5'-TCATCATCGGCTTCTTCTTCTTCCACCTCAGCCACTTCTTCCTCCTCTGCTACTTCTACT[A>G]CTTTGTCTTCACTGTGAAGGCAAACACAAATAACAGAAAAAGTCAATTAAACACATTTCA-3'
Protein context (NP_000475.1, residues 215-235): TDYADGSEDK[Val225Ala]VEVAEEEEVA